The following is an entry in ClinVar:

NM_001368894.2(PAX6):c.1231A>T (p.Ile411Phe)

Genes: ELP4 (elongator acetyltransferase complex subunit 4; plus strand), PAX6 (paired box 6; minus strand). Cytogenetic location: 11p13.
Variant type: single nucleotide variant.
Coding change: c.1231A>T on transcript NM_001368894.2 (MANE Select); coding-DNA position 1231, A replaced by T.
Protein change: p.Ile411Phe; replaces isoleucine 411 with phenylalanine.
Molecular consequence: missense variant. On other transcripts: 3 prime UTR variant (3), synonymous variant (9), non-coding transcript variant (2).
Genome position (GRCh38, 1-based): chr11:31,790,014, T>A on the plus strand (A>T on the coding strand, the complement: PAX6 is on the minus strand). VCF-style: chr11-31790014-T-A. GRCh37 (hg19) VCF-style: chr11-31811562-T-A.
Other names: c.*6476T>A (NM_001288725.2); c.*6585T>A (NM_001288726.2); c.*6490T>A (NM_019040.5); c.1189A>T, p.Ile397Phe (NM_000280.6, NM_001127612.3, NM_001258464.2 and 6 more transcripts); c.1231A>T, p.Ile411Phe (NM_001258462.3, NM_001258463.2, NM_001310158.2 and 3 more transcripts); c.781A>T, p.Ile261Phe (NM_001310160.2, NM_001368900.2, NM_001368901.2 and 10 more transcripts); c.1306A>T, p.Ile436Phe (NM_001368919.2, NM_001368918.2); c.1264A>T, p.Ile422Phe (NM_001368920.2); and 9 more; short protein forms I196F, I261F, I330F, I344F, I397F, I411F, I422F, I436F.
Identifiers: ClinVar variation 1709908 (VCV001709908.2), dbSNP rs2134385128, ClinGen allele CA379966952.

ClinVar aggregate classification (germline): Uncertain significance (1 of 4 stars; one submission).

Conditions:
Aniridia 1 (AN1). Identifiers: Orphanet 250923, MedGen C0344542, MONDO:0024507, OMIM 106210.

Allele frequency attached by ClinVar (database versions not stated): gnomAD exomes below 0.00001.
gnomAD v4.1: 1 of 1,579,676 alleles (0.000063%); highest among the groups gnomAD compares: Non-Finnish European, 0.000085%; no homozygotes.

Submission:

MGZ Medical Genetics Center
Classification: Uncertain significance for Aniridia 1. Last evaluated: 2021-10-14. Review status: criteria provided, single submitter. Criteria: ACMG Guidelines, 2015. Collection method: clinical testing. Allele origin: germline. Affected: yes. Observed: 1 variant allele.
Comment: ACMG criteria applied: PM2_SUP, PP3